The following is an entry in ClinVar:

NM_005045.4(RELN):c.9688G>A (p.Ala3230Thr)

Genes: SLC26A5-AS1 (SLC26A5 antisense RNA 1; plus strand), RELN (reelin; minus strand), LOC126860130 (BRD4-independent group 4 enhancer GRCh37_chr7:103130126-103131325; plus strand). Cytogenetic location: 7q22.1.
Variant type: single nucleotide variant.
Coding change: c.9688G>A on transcript NM_005045.4 (MANE Select); coding-DNA position 9688, G replaced by A.
Protein change: p.Ala3230Thr; replaces alanine 3230 with threonine.
Molecular consequence: missense variant.
Genome position (GRCh38, 1-based): chr7:103,489,817, C>T on the plus strand (G>A on the coding strand, the complement: RELN is on the minus strand). VCF-style: chr7-103489817-C-T. GRCh37 (hg19) VCF-style: chr7-103130264-C-T.
Other names: c.9688G>A, p.Ala3230Thr (NM_173054.3); short protein forms A3230T.
Identifiers: ClinVar variation 2922047 (VCV002922047.3), dbSNP rs1159716627, ClinGen allele CA368743757.
Genomic context (GRCh38, chr7:103,489,817, plus strand): 5'-CGCAGATGCAGATGGCACCGGTCGTGCAGTATCCGTGCCCGCTGCAGAGCTTGGGGCAAG[C>T]CTCTCCAATGTACACGTGGTCAATTGCCCAGCTTTGCTTCTCAGTTTCTTCTCCCTTCTG-3'
Protein context (NP_005036.2, residues 3220-3240): WAIDHVYIGE[Ala3230Thr]CPKLCSGHGY

ClinVar aggregate classification (germline): Uncertain significance (1 of 4 stars; one submission).

Conditions:
Norman-Roberts syndrome (LIS2). Also called: Lissencephaly 2 (Norman-Roberts type). Identifiers: Orphanet 89844, MedGen C0796089, MONDO:0009760, OMIM 257320.
Familial temporal lobe epilepsy 7. Identifiers: Orphanet 101046, MedGen C4225327, MONDO:0014639, OMIM 616436.

Allele frequency attached by ClinVar (database versions not stated): TOPMed below 0.00001; gnomAD exomes 0.00001.

Submission:

Labcorp Genetics (formerly Invitae), Labcorp
Classification: Uncertain significance for Familial temporal lobe epilepsy 7; Norman-Roberts syndrome. Last evaluated: 2024-04-10. Review status: criteria provided, single submitter. Criteria: Invitae Variant Classification Sherloc (09022015). Collection method: clinical testing. Allele origin: germline.
Comment: This sequence change replaces alanine, which is neutral and non-polar, with threonine, which is neutral and polar, at codon 3230 of the RELN protein (p.Ala3230Thr). This variant is not present in population databases (gnomAD no frequency). This variant has not been reported in the literature in individuals affected with RELN-related conditions. Advanced modeling of protein sequence and biophysical properties (such as structural, functional, and spatial information, amino acid conservation, physicochemical variation, residue mobility, and thermodynamic stability) performed at Invitae indicates that this missense variant is not expected to disrupt RELN protein function with a negative predictive value of 80%. In summary, the available evidence is currently insufficient to determine the role of this variant in disease. Therefore, it has been classified as a Variant of Uncertain Significance.